The following is an entry in ClinVar:

ClinVar aggregate classification (germline): Uncertain significance (1 of 4 stars; one submission).

Conditions:
Neurofibromatosis, type 1 (NF1). Also called: NEUROFIBROMATOSIS, TYPE I, SOMATIC; VON RECKLINGHAUSEN DISEASE; Neurofibromatosis, type I; Peripheral type neurofibromatosis. Identifiers: Orphanet 636, MedGen C0027831, MONDO:0018975, OMIM 162200. Disease mechanism: loss of function.

Submission:

Labcorp Genetics (formerly Invitae), Labcorp
Classification: Uncertain significance for Neurofibromatosis, type 1. Last evaluated: 2018-12-19. Review status: criteria provided, single submitter. Criteria: Invitae Variant Classification Sherloc (09022015). Collection method: clinical testing. Allele origin: germline.
Comment: This variant has not been reported in the literature in individuals with NF1-related conditions. This sequence change replaces leucine with phenylalanine at codon 1068 of the NF1 protein (p.Leu1068Phe). The leucine residue is moderately conserved and there is a small physicochemical difference between leucine and phenylalanine. This variant is not present in population databases (ExAC no frequency). Algorithms developed to predict the effect of missense changes on protein structure and function are either unavailable or do not agree on the potential impact of this missense change (SIFT: "Deleterious"; PolyPhen-2: "Possibly Damaging"; Align-GVGD: "Class C0"). In summary, the available evidence is currently insufficient to determine the role of this variant in disease. Therefore, it has been classified as a Variant of Uncertain Significance.

NM_001042492.3(NF1):c.3204G>C (p.Leu1068Phe)

Gene: NF1 (neurofibromin 1; plus strand). Cytogenetic location: 17q11.2.
Variant type: single nucleotide variant.
Coding change: c.3204G>C on transcript NM_001042492.3 (MANE Select); coding-DNA position 3204, G replaced by C.
Protein change: p.Leu1068Phe; replaces leucine 1068 with phenylalanine.
Molecular consequence: missense variant.
Genome position (GRCh38, 1-based): chr17:31,232,079, G>C. VCF-style: chr17-31232079-G-C. GRCh37 (hg19) VCF-style: chr17-29559097-G-C.
Other names: c.3204G>C, p.Leu1068Phe (NM_000267.4); short protein forms L1068F.
Identifiers: ClinVar variation 644421 (VCV000644421.5), dbSNP rs1258842007, ClinGen allele CA398988549.
Genomic context (GRCh38, chr17:31,232,079, plus strand): 5'-ACTTGAAAGATTCATGGTCTCTAAATTTTTTTTTTTTTTTTTTTTTTTTTTCAGAGATTT[G>C]GACCAGGCAAGCATGGAAGCAGTAGTTTCACTTCTAGCTGGTCTCCCTCTGCAGCCTGAA-3'
Protein context (NP_001035957.1, residues 1058-1078): DDDVKCLTRD[Leu1068Phe]DQASMEAVVS